The following is an entry in ClinVar:

NM_006031.6(PCNT):c.4104G>C (p.Leu1368=)

Gene: PCNT (pericentrin; plus strand). Cytogenetic location: 21q22.3.
Variant type: single nucleotide variant.
Coding change: c.4104G>C on transcript NM_006031.6 (MANE Select); coding-DNA position 4104, G replaced by C.
Protein change: p.Leu1368=; no amino-acid change (leucine 1368 retained).
Molecular consequence: synonymous variant.
Genome position (GRCh38, 1-based): chr21:46,391,264, G>C. VCF-style: chr21-46391264-G-C. GRCh37 (hg19) VCF-style: chr21-47811179-G-C.
Other names: c.3750G>C, p.Leu1250= (NM_001315529.2); c.4104G>C (NM_006031.5).
Identifiers: ClinVar variation 1576177 (VCV001576177.9), dbSNP rs372049859, ClinGen allele CA10079535.

ClinVar aggregate classification (germline): Likely benign. Review status: criteria provided, multiple submitters, no conflicts (2 of 4 stars). 2 submissions from 2 submitters: Likely benign (2). Last evaluated 2025-03-19.

Conditions:
PCNT-related disorder. Also called: PCNT-related condition.

Allele frequency attached by ClinVar (database versions not stated): gnomAD 0.00001; TOPMed 0.00003; gnomAD exomes 0.00004; 1000 Genomes Project 30x 0.00016; 1000 Genomes Project 0.00020.
gnomAD v4.1: 11 of 1,599,496 alleles (0.00069%); highest among the groups gnomAD compares: East Asian, 0.025%; no homozygotes.

Submissions (2):

PreventionGenetics, part of Exact Sciences
Classification: Likely benign for PCNT-related condition. Last evaluated: 2025-03-19. Review status: criteria provided, single submitter. Criteria: ACMG Guidelines, 2015. Collection method: clinical testing. Allele origin: germline.
Comment: This variant is classified as likely benign based on ACMG/AMP sequence variant interpretation guidelines (Richards et al. 2015 PMID: 25741868, with internal and published modifications).

Labcorp Genetics (formerly Invitae), Labcorp
Classification: Likely benign. Last evaluated: 2024-12-02. Review status: criteria provided, single submitter. Criteria: Invitae Variant Classification Sherloc (09022015). Collection method: clinical testing. Allele origin: germline.